The following is an entry in ClinVar:

ClinVar aggregate classification (germline): Likely benign (0 of 4 stars; one submission).

Conditions:
PYGL-related disorder. Also called: PYGL-related condition.

Allele frequency attached by ClinVar (database versions not stated): gnomAD exomes below 0.00001; TOPMed 0.00003.
gnomAD v4.1: 6 of 1,613,926 alleles (0.00037%); highest among the groups gnomAD compares: African/African-American, 0.0013%; no homozygotes.

Submission:

PreventionGenetics, part of Exact Sciences
Classification: Likely benign for PYGL-related condition. Last evaluated: 2020-09-01. Review status: no assertion criteria provided. Collection method: clinical testing. Allele origin: germline.
Comment: This variant is classified as likely benign based on ACMG/AMP sequence variant interpretation guidelines (Richards et al. 2015 PMID: 25741868, with internal and published modifications).

NM_002863.5(PYGL):c.1093-3C>T

Gene: PYGL (glycogen phosphorylase L; minus strand). Cytogenetic location: 14q22.1.
Variant type: single nucleotide variant.
Coding change: c.1093-3C>T on transcript NM_002863.5 (MANE Select); 3 bases into the intron before coding-DNA position 1093, C replaced by T.
Molecular consequence: intron variant.
Genome position (GRCh38, 1-based): chr14:50,915,974, G>A on the plus strand (C>T on the coding strand, the complement: PYGL is on the minus strand). VCF-style: chr14-50915974-G-A. GRCh37 (hg19) VCF-style: chr14-51382692-G-A.
Other names: c.991-3C>T (NM_001163940.2).
Identifiers: ClinVar variation 3032334 (VCV003032334.2), dbSNP rs767118677, ClinGen allele CA260827037.